The following is an entry in ClinVar:

NM_002661.5(PLCG2):c.2901C>G (p.Ile967Met)

Gene: PLCG2 (phospholipase C gamma 2; plus strand). Cytogenetic location: 16q23.3.
Variant type: single nucleotide variant.
Coding change: c.2901C>G on transcript NM_002661.5 (MANE Select); coding-DNA position 2901, C replaced by G.
Protein change: p.Ile967Met; replaces isoleucine 967 with methionine.
Molecular consequence: missense variant.
Genome position (GRCh38, 1-based): chr16:81,936,227, C>G. VCF-style: chr16-81936227-C-G. GRCh37 (hg19) VCF-style: chr16-81969832-C-G.
Other names: short protein forms I967M.
Identifiers: ClinVar variation 1940512 (VCV001940512.5), dbSNP rs2507754037, ClinGen allele CA396905726.
Genomic context (GRCh38, chr16:81,936,227, plus strand): 5'-AGAAAATCCTGACTTCCGAGAAATCCGCTCCTTTGTGGAGACGAAGGCTGACAGCATCAT[C>G]AGACAGAAGCCCGTCGACCTCCTGAAGTACAATCAAAAGGGCCTGACCCGCGTCTACCCA-3'
Protein context (NP_002652.2, residues 957-977): SFVETKADSI[Ile967Met]RQKPVDLLKY

ClinVar aggregate classification (germline): Uncertain significance (1 of 4 stars; one submission).

Conditions:
Familial cold autoinflammatory syndrome 3 (FCAS3). Also called: FAMILIAL ATYPICAL COLD URTICARIA; ANTIBODY DEFICIENCY AND IMMUNE DYSREGULATION, PLCG2-ASSOCIATED. Identifiers: Orphanet 300359, MedGen C3280914, MONDO:0013766, OMIM 614468.

Allele frequency attached by ClinVar (database versions not stated): gnomAD exomes below 0.00001.
gnomAD v4.1: 3 of 1,614,182 alleles (0.00019%); highest among the groups gnomAD compares: South Asian, 0.0011%; no homozygotes.

Submission:

Labcorp Genetics (formerly Invitae), Labcorp
Classification: Uncertain significance for Familial cold autoinflammatory syndrome 3. Last evaluated: 2022-07-05. Review status: criteria provided, single submitter. Criteria: Invitae Variant Classification Sherloc (09022015). Collection method: clinical testing. Allele origin: germline.
Comment: In summary, the available evidence is currently insufficient to determine the role of this variant in disease. Therefore, it has been classified as a Variant of Uncertain Significance. Algorithms developed to predict the effect of missense changes on protein structure and function (SIFT, PolyPhen-2, Align-GVGD) all suggest that this variant is likely to be tolerated. This variant has not been reported in the literature in individuals affected with PLCG2-related conditions. This variant is not present in population databases (gnomAD no frequency). This sequence change replaces isoleucine, which is neutral and non-polar, with methionine, which is neutral and non-polar, at codon 967 of the PLCG2 protein (p.Ile967Met).